The following is an entry in ClinVar:

NM_005591.4(MRE11):c.17C>T (p.Ala6Val)

Gene: MRE11 (MRE11 double strand break repair nuclease; minus strand). Cytogenetic location: 11q21.
Variant type: single nucleotide variant.
Coding change: c.17C>T on transcript NM_005591.4 (MANE Select); coding-DNA position 17, C replaced by T.
Protein change: p.Ala6Val; replaces alanine 6 with valine.
Molecular consequence: missense variant.
Genome position (GRCh38, 1-based): chr11:94,492,785, G>A on the plus strand (C>T on the coding strand, the complement: MRE11 is on the minus strand). VCF-style: chr11-94492785-G-A. GRCh37 (hg19) VCF-style: chr11-94225951-G-A.
Other names: c.17C>T, p.Ala6Val (NM_001330347.2, NM_005590.4); short protein forms A6V.
Identifiers: ClinVar variation 2586210 (VCV002586210.3), dbSNP rs2496667409, ClinGen allele CA382381549.

ClinVar aggregate classification (germline): Uncertain significance (1 of 4 stars; one submission).

Conditions:
Hereditary cancer-predisposing syndrome. Also called: Hereditary neoplastic syndrome; Tumor predisposition; Hereditary Cancer Syndrome; Neoplastic Syndromes, Hereditary. Identifiers: Orphanet 140162, MedGen C0027672, MeSH D009386, MONDO:0015356.

Submission:

Ambry Genetics
Classification: Uncertain significance for Hereditary cancer-predisposing syndrome. Last evaluated: 2025-08-10. Review status: criteria provided, single submitter. Criteria: Ambry Variant Classification Scheme 2023. Collection method: clinical testing. Allele origin: germline.
Comment: The p.A6V variant (also known as c.17C>T), located in coding exon 1 of the MRE11A gene, results from a C to T substitution at nucleotide position 17. The alanine at codon 6 is replaced by valine, an amino acid with similar properties. This amino acid position is conserved. In addition, this alteration is predicted to be tolerated by in silico analysis. Since supporting evidence is limited at this time, the clinical significance of this alteration remains unclear.